The following is an entry in ClinVar:

NM_001103.4(ACTN2):c.1592G>A (p.Trp531Ter)

Gene: ACTN2 (actinin alpha 2; plus strand). Cytogenetic location: 1q43.
Variant type: single nucleotide variant.
Coding change: c.1592G>A on transcript NM_001103.4 (MANE Select); coding-DNA position 1592, G replaced by A.
Protein change: p.Trp531Ter; replaces tryptophan 531 with a stop codon.
Molecular consequence: nonsense.
Genome position (GRCh38, 1-based): chr1:236,749,200, G>A. VCF-style: chr1-236749200-G-A. GRCh37 (hg19) VCF-style: chr1-236912500-G-A.
Other names: c.1592G>A, p.Trp531Ter (NM_001278343.2); c.968G>A, p.Trp323Ter (NM_001278344.2); c.842G>A, p.Trp281Ter (NM_001412150.1); short protein forms W281*, W323*, W531*.
Identifiers: ClinVar variation 2105724 (VCV002105724.4), dbSNP rs1275318751, ClinGen allele CA345384850.

ClinVar aggregate classification (germline): Uncertain significance (1 of 4 stars; one submission).

Conditions:
Dilated cardiomyopathy 1AA (CMD1AA). Also called: CARDIOMYOPATHY, DILATED, 1AA, WITH OR WITHOUT LEFT VENTRICULAR NONCOMPACTION; CARDIOMYOPATHY, FAMILIAL HYPERTROPHIC, 23, WITH OR WITHOUT LEFT VENTRICULAR NONCOMPACTION; Cardiomyopathy, dilated, 1AA, with or without LVNC. Identifiers: Orphanet 154, MedGen C2677338, MONDO:0012808, OMIM 612158.
Primary familial hypertrophic cardiomyopathy (HCM). Identifiers: Orphanet 99739, MedGen C0949658, MeSH D024741, MONDO:0024573. Inheritance: Various modes of inheritance.

Allele frequency attached by ClinVar (database versions not stated): gnomAD 0.00001.
gnomAD v4.1: 1 of 1,614,056 alleles (0.000062%); highest among the groups gnomAD compares: Non-Finnish European, 0.000085%; no homozygotes.

Submission:

Labcorp Genetics (formerly Invitae), Labcorp
Classification: Uncertain significance for Primary familial hypertrophic cardiomyopathy; Dilated cardiomyopathy 1AA. Last evaluated: 2022-03-03. Review status: criteria provided, single submitter. Criteria: Invitae Variant Classification Sherloc (09022015). Collection method: clinical testing. Allele origin: germline.
Comment: This sequence change creates a premature translational stop signal (p.Trp531*) in the ACTN2 gene. It is expected to result in an absent or disrupted protein product. However, the current clinical and genetic evidence is not sufficient to establish whether loss-of-function variants in ACTN2 cause disease. This variant is present in population databases (no rsID available, gnomAD 0.007%). In summary, the available evidence is currently insufficient to determine the role of this variant in disease. Therefore, it has been classified as a Variant of Uncertain Significance. This premature translational stop signal has been observed in individual(s) with hypertrophic cardiomyopathy (PMID: 27532257).

Literature cited by the submitters: PubMed 27532257.